The following is an entry in ClinVar:

NM_001042492.3(NF1):c.220G>T (p.Ala74Ser)

Gene: NF1 (neurofibromin 1; plus strand). Cytogenetic location: 17q11.2.
Variant type: single nucleotide variant.
Coding change: c.220G>T on transcript NM_001042492.3 (MANE Select); coding-DNA position 220, G replaced by T.
Protein change: p.Ala74Ser; replaces alanine 74 with serine.
Molecular consequence: missense variant.
Genome position (GRCh38, 1-based): chr17:31,159,025, G>T. VCF-style: chr17-31159025-G-T. GRCh37 (hg19) VCF-style: chr17-29486043-G-T.
Other names: c.220G>T, p.Ala74Ser (NM_000267.4, NM_001128147.3); short protein forms A74S.
Identifiers: ClinVar variation 1053323 (VCV001053323.2), dbSNP rs2065716371, ClinGen allele CA398989557.

ClinVar aggregate classification (germline): Uncertain significance (1 of 4 stars; one submission).

Conditions:
Neurofibromatosis, type 1 (NF1). Also called: Peripheral type neurofibromatosis; Neurofibromatosis, type I; VON RECKLINGHAUSEN DISEASE; NEUROFIBROMATOSIS, TYPE I, SOMATIC. Identifiers: Orphanet 636, MedGen C0027831, MONDO:0018975, OMIM 162200. Disease mechanism: loss of function.

Submission:

Labcorp Genetics (formerly Invitae), Labcorp
Classification: Uncertain significance for Neurofibromatosis, type 1. Last evaluated: 2021-08-31. Review status: criteria provided, single submitter. Criteria: Invitae Variant Classification Sherloc (09022015). Collection method: clinical testing. Allele origin: germline.
Comment: This sequence change replaces alanine with serine at codon 74 of the NF1 protein (p.Ala74Ser). The alanine residue is moderately conserved and there is a moderate physicochemical difference between alanine and serine. This variant is not present in population databases (ExAC no frequency). This variant has not been reported in the literature in individuals affected with NF1-related conditions. Advanced modeling of protein sequence and biophysical properties (such as structural, functional, and spatial information, amino acid conservation, physicochemical variation, residue mobility, and thermodynamic stability) performed at Invitae indicates that this missense variant is not expected to disrupt NF1 protein function. In summary, the available evidence is currently insufficient to determine the role of this variant in disease. Therefore, it has been classified as a Variant of Uncertain Significance.